The following is an entry in ClinVar:

ClinVar aggregate classification (germline): Likely pathogenic (1 of 4 stars; one submission).

Conditions:
LZTR1-related schwannomatosis. Also called: Schwannomatosis 2; Schwannomatosis-2, susceptibility to. Identifiers: Orphanet 93921, MedGen C3810283, MONDO:0014299, OMIM 615670.

gnomAD v4.1: 2 of 1,614,010 alleles (0.00012%); highest among the groups gnomAD compares: Non-Finnish European, 0.00017%; no homozygotes.

Submission:

Human Genetics Bochum, Ruhr University Bochum
Classification: Likely pathogenic for LZTR1-related schwannomatosis. Last evaluated: 2025-04-07. Review status: criteria provided, single submitter. Criteria: ACMG Guidelines, 2015. Collection method: clinical testing. Allele origin: germline. Affected: yes.
Comment: ACMG criteria used to clasify this variant: PVS1, PM2_SUP

NM_001005373.4(LRSAM1):c.889C>T (p.Gln297Ter)

Gene: LRSAM1 (leucine rich repeat and sterile alpha motif containing 1; plus strand). Cytogenetic location: 9q33.3.
Variant type: single nucleotide variant.
Coding change: c.889C>T on transcript NM_001005373.4 (MANE Select); coding-DNA position 889, C replaced by T.
Protein change: p.Gln297Ter; replaces glutamine 297 with a stop codon.
Molecular consequence: nonsense. On other transcripts: non-coding transcript variant (2).
Genome position (GRCh38, 1-based): chr9:127,479,491, C>T. VCF-style: chr9-127479491-C-T. GRCh37 (hg19) VCF-style: chr9-130241770-C-T.
Other names: c.889C>T, p.Gln297Ter (NM_001005374.4, NM_001190723.3, NM_001384142.1 and 2 more transcripts); c.100C>T, p.Gln34Ter (NM_001384144.1); short protein forms Q297*, Q34*.
Identifiers: ClinVar variation 4687911 (VCV004687911.1).